The following is an entry in ClinVar:

NM_018975.4(TERF2IP):c.16G>T (p.Asp6Tyr)

Gene: TERF2IP (TERF2 interacting protein; plus strand). Cytogenetic location: 16q23.1.
Variant type: single nucleotide variant.
Coding change: c.16G>T on transcript NM_018975.4 (MANE Select); coding-DNA position 16, G replaced by T.
Protein change: p.Asp6Tyr; replaces aspartic acid 6 with tyrosine.
Molecular consequence: missense variant. On other transcripts: non-coding transcript variant (1).
Genome position (GRCh38, 1-based): chr16:75,647,898, G>T. VCF-style: chr16-75647898-G-T. GRCh37 (hg19) VCF-style: chr16-75681796-G-T.
Other names: short protein forms D6Y.
Identifiers: ClinVar variation 1778333 (VCV001778333.2), dbSNP rs765692177, ClinGen allele CA8177918.

ClinVar aggregate classification (germline): Uncertain significance (1 of 4 stars; one submission).

Allele frequency attached by ClinVar (database versions not stated): ExAC 0.00001.

Submission:

Ambry Genetics
Classification: Uncertain significance. Last evaluated: 2023-12-05. Review status: criteria provided, single submitter. Criteria: Ambry Variant Classification Scheme 2023. Collection method: clinical testing. Allele origin: germline.
Comment: The p.D6Y variant (also known as c.16G>T), located in coding exon 1 of the TERF2IP gene, results from a G to T substitution at nucleotide position 16. The aspartic acid at codon 6 is replaced by tyrosine, an amino acid with highly dissimilar properties. This amino acid position is conserved. In addition, this alteration is predicted to be tolerated by in silico analysis. Since supporting evidence is limited at this time, the clinical significance of this alteration remains unclear.